The following is an entry in ClinVar:

ClinVar aggregate classification (germline): Pathogenic (1 of 4 stars; one submission).

Submission:

Labcorp Genetics (formerly Invitae), Labcorp
Classification: Pathogenic. Last evaluated: 2023-07-14. Review status: criteria provided, single submitter. Criteria: Invitae Variant Classification Sherloc (09022015). Collection method: clinical testing. Allele origin: germline.
Comment: This variant has not been reported in the literature in individuals affected with USP9X-related conditions. For these reasons, this variant has been classified as Pathogenic. This sequence change creates a premature translational stop signal (p.Thr267Phefs*4) in the USP9X gene. It is expected to result in an absent or disrupted protein product. Loss-of-function variants in USP9X are known to be pathogenic (PMID: 26833328, 28377321). This variant is not present in population databases (gnomAD no frequency).

Literature cited by the submitters: PubMed 26833328; PubMed 28377321.

NM_001039591.3(USP9X):c.799_802del (p.Thr267fs)

Gene: USP9X (ubiquitin specific peptidase 9 X-linked; plus strand). Cytogenetic location: Xp11.4.
Variant type: Deletion.
Coding change: c.799_802del on transcript NM_001039591.3 (MANE Select); coding-DNA positions 799 to 802, 4 bases deleted (ACTC; older notation c.799_802delACTC).
Protein change: p.Thr267fs; shifts the reading frame from threonine 267.
Molecular consequence: frameshift variant.
Genome position (GRCh38, 1-based): chrX:41,140,994-41,140,997, ACTC deleted; deleting any 4 consecutive bases within chrX:41,140,991-41,140,997 gives the same sequence; the c. name uses the placement nearest the transcript's 3' end. VCF-style (leftmost placement, unchanged base first): chrX-41140990-TCTCA-T. GRCh37 (hg19) VCF-style: chrX-41000243-TCTCA-T.
Other names: c.799_802del, p.Thr267fs (NM_001039590.3, NM_001410748.1, NM_001410749.1); short protein forms T267fs.
Identifiers: ClinVar variation 2742407 (VCV002742407.3), dbSNP rs2519131361, ClinGen allele CA2697553020.